The following is an entry in ClinVar:

ClinVar aggregate classification (germline): Uncertain significance. Review status: criteria provided, multiple submitters, no conflicts (2 of 4 stars). 3 submissions from 3 submitters: Uncertain significance (3). Last evaluated 2025-12-08.

Conditions:
RYR1-related disorder. Also called: RYR1-related condition; RYR1-related disorders. Identifiers: MedGen CN239331.
Inborn genetic diseases. Identifiers: MedGen C0950123, MeSH D030342.

Allele frequency attached by ClinVar (database versions not stated): gnomAD exomes below 0.00001.
gnomAD v4.1: 1 of 1,559,858 alleles (0.000064%); highest among the groups gnomAD compares: Non-Finnish European, 0.000087%; no homozygotes.

Submissions (3):

Labcorp Genetics (formerly Invitae), Labcorp
Classification: Uncertain significance for RYR1-related disorder. Last evaluated: 2025-12-08. Review status: criteria provided, single submitter. Criteria: Invitae Variant Classification Sherloc (09022015). Collection method: clinical testing. Allele origin: germline.
Comment: This sequence change replaces serine, which is neutral and polar, with leucine, which is neutral and non-polar, at codon 1575 of the RYR1 protein (p.Ser1575Leu). This variant is not present in population databases (gnomAD no frequency). This variant has not been reported in the literature in individuals affected with RYR1-related conditions. ClinVar contains an entry for this variant (Variation ID: 2284235). Invitae Evidence Modeling of protein sequence and biophysical properties (such as structural, functional, and spatial information, amino acid conservation, physicochemical variation, residue mobility, and thermodynamic stability) indicates that this missense variant is expected to disrupt RYR1 protein function with a positive predictive value of 80%. In summary, the available evidence is currently insufficient to determine the role of this variant in disease. Therefore, it has been classified as a Variant of Uncertain Significance.

GeneDx
Classification: Uncertain significance. Last evaluated: 2024-12-07. Review status: criteria provided, single submitter. Criteria: GeneDx Variant Classification Process June 2021. Collection method: clinical testing. Allele origin: germline. Affected: yes.
Comment: Not observed at significant frequency in large population cohorts (gnomAD); In silico analysis supports that this missense variant has a deleterious effect on protein structure/function; Has not been previously published as pathogenic or benign to our knowledge

Ambry Genetics
Classification: Uncertain significance for Inborn genetic diseases. Last evaluated: 2022-04-29. Review status: criteria provided, single submitter. Criteria: Ambry Variant Classification Scheme 2023. Collection method: clinical testing. Allele origin: germline.

NM_000540.3(RYR1):c.4724C>T (p.Ser1575Leu)

Gene: RYR1 (ryanodine receptor 1; plus strand). Cytogenetic location: 19q13.2.
Variant type: single nucleotide variant.
Coding change: c.4724C>T on transcript NM_000540.3 (MANE Select); coding-DNA position 4724, C replaced by T.
Protein change: p.Ser1575Leu; replaces serine 1575 with leucine.
Molecular consequence: missense variant.
Genome position (GRCh38, 1-based): chr19:38,483,306, C>T. VCF-style: chr19-38483306-C-T. GRCh37 (hg19) VCF-style: chr19-38973946-C-T.
Other names: c.4724C>T, p.Ser1575Leu (NM_001042723.2); short protein forms S1575L.
Identifiers: ClinVar variation 2284235 (VCV002284235.5), dbSNP rs767293084, ClinGen allele CA066406.